The following is an entry in ClinVar:

ClinVar aggregate classification (germline): Uncertain significance (1 of 4 stars; one submission).

Submission:

GeneDx
Classification: Uncertain significance. Last evaluated: 2022-01-05. Review status: criteria provided, single submitter. Criteria: GeneDx Variant Classification Process June 2021. Collection method: clinical testing. Allele origin: germline. Affected: yes.
Comment: Not observed at significant frequency in large population cohorts (gnomAD); Missense variants in this gene are often considered pathogenic (HGMD); In silico analysis supports that this missense variant has a deleterious effect on protein structure/function; Has not been previously published as pathogenic or benign to our knowledge

NM_005633.4(SOS1):c.1007A>T (p.Gln336Leu)

Gene: SOS1 (SOS Ras/Rac guanine nucleotide exchange factor 1; minus strand). Cytogenetic location: 2p22.1.
Variant type: single nucleotide variant.
Coding change: c.1007A>T on transcript NM_005633.4 (MANE Select); coding-DNA position 1007, A replaced by T.
Protein change: p.Gln336Leu; replaces glutamine 336 with leucine.
Molecular consequence: missense variant.
Genome position (GRCh38, 1-based): chr2:39,035,279, T>A on the plus strand (A>T on the coding strand, the complement: SOS1 is on the minus strand). VCF-style: chr2-39035279-T-A. GRCh37 (hg19) VCF-style: chr2-39262420-T-A.
Other names: c.986A>T, p.Gln329Leu (NM_001382394.1); c.1007A>T, p.Gln336Leu (NM_001382395.1); short protein forms Q329L, Q336L.
Identifiers: ClinVar variation 1695720 (VCV001695720.2), dbSNP rs765028553, ClinGen allele CA346367203.